The following is an entry in ClinVar:

NM_003982.4(SLC7A7):c.149T>C (p.Met50Thr)

Gene: SLC7A7 (solute carrier family 7 member 7; minus strand). Cytogenetic location: 14q11.2.
Variant type: single nucleotide variant.
Coding change: c.149T>C on transcript NM_003982.4 (MANE Select); coding-DNA position 149, T replaced by C.
Protein change: p.Met50Thr; replaces methionine 50 with threonine.
Molecular consequence: missense variant.
Genome position (GRCh38, 1-based): chr14:22,813,250, A>G on the plus strand (T>C on the coding strand, the complement: SLC7A7 is on the minus strand). VCF-style: chr14-22813250-A-G. GRCh37 (hg19) VCF-style: chr14-23282459-A-G.
Other names: c.149T>C, p.Met50Thr (NM_001126105.3, NM_001126106.4); short protein forms M50T.
Identifiers: ClinVar variation 582914 (VCV000582914.10), dbSNP rs386833811, ClinGen allele CA388922823.
Genomic context (GRCh38, chr14:22,813,250, plus strand): 5'-CCAAAGGAGGCACTGTATATGAGCACACCCTTGGGGGAAACAAAGATGCCCGAGCCGATC[A>G]TGTTCCCCACAATCAGGCACACGCCGTTAAGCAGTGAGATCTCCTTCTTCAGCTTCACCT-3'
Protein context (NP_003973.3, residues 40-60): LNGVCLIVGN[Met50Thr]IGSGIFVSPK

ClinVar aggregate classification (germline): Uncertain significance. Review status: criteria provided, single submitter (1 of 4 stars). 2 submissions from 2 submitters: Uncertain significance (1). 1 of the submissions does not count toward it. Last evaluated 2021-08-28.

Conditions:
Lysinuric protein intolerance (LPI). Identifiers: Orphanet 470, MedGen C0268647, MONDO:0009109, OMIM 222700.

Allele frequency attached by ClinVar (database versions not stated): TOPMed 0.00001; gnomAD 0.00003.
gnomAD v4.1: 3 of 1,613,738 alleles (0.00019%); highest among the groups gnomAD compares: Middle Eastern, 0.016%; no homozygotes.

Submissions (2):

Labcorp Genetics (formerly Invitae), Labcorp
Classification: Uncertain significance for Lysinuric protein intolerance. Last evaluated: 2021-08-28. Review status: criteria provided, single submitter. Criteria: Invitae Variant Classification Sherloc (09022015). Collection method: clinical testing. Allele origin: germline.
Comment: This sequence change replaces methionine with threonine at codon 50 of the SLC7A7 protein (p.Met50Thr). The methionine residue is moderately conserved and there is a moderate physicochemical difference between methionine and threonine. This variant is not present in population databases (ExAC no frequency). This variant has not been reported in the literature in individuals affected with SLC7A7-related conditions. Algorithms developed to predict the effect of missense changes on protein structure and function (SIFT, PolyPhen-2, Align-GVGD) all suggest that this variant is likely to be disruptive. In summary, the available evidence is currently insufficient to determine the role of this variant in disease. Therefore, it has been classified as a Variant of Uncertain Significance.

Natera, Inc.
Classification: Uncertain significance for Lysinuric protein intolerance. Last evaluated: 2021-10-15. Review status: no assertion criteria provided. Collection method: clinical testing. Allele origin: germline. Not counted in ClinVar's aggregate classification.